The following is an entry in ClinVar:

ClinVar aggregate classification (germline): Pathogenic/Likely pathogenic. Review status: criteria provided, multiple submitters, no conflicts (2 of 4 stars). 2 submissions from 2 submitters: Pathogenic (1); Likely pathogenic (1). Last evaluated 2025-12-13.

Conditions:
Joubert syndrome. Also called: CEREBELLOPARENCHYMAL DISORDER IV; JOUBERT-BOLTSHAUSER SYNDROME; Familial aplasia of the vermis. Identifiers: Orphanet 475, MedGen C5979921, MONDO:0018772.
Nephronophthisis. Also called: Juvenile Nephronophthisis. Identifiers: Orphanet 655, MedGen C0687120, MONDO:0019005, HP:0000090.
Meckel-Gruber syndrome. Also called: DYSENCEPHALIA SPLANCHNOCYSTICA; GRUBER SYNDROME; Dysencephalia splachnocystica. Identifiers: Orphanet 564, MedGen C0265215, MONDO:0018921.
Bardet-Biedl syndrome 14 (BBS14). Identifiers: Orphanet 110, MedGen C2673874, MONDO:0014442, OMIM 615991.

Submissions (2):

Labcorp Genetics (formerly Invitae), Labcorp
Classification: Pathogenic for Joubert syndrome; Meckel-Gruber syndrome; Nephronophthisis. Last evaluated: 2025-12-13. Review status: criteria provided, single submitter. Criteria: Invitae Variant Classification Sherloc (09022015). Collection method: clinical testing. Allele origin: germline.
Comment: This sequence change creates a premature translational stop signal (p.Lys1917Serfs*6) in the CEP290 gene. It is expected to result in an absent or disrupted protein product. Loss-of-function variants in CEP290 are known to be pathogenic (PMID: 16909394, 17345604, 20690115). This variant is not present in population databases (gnomAD no frequency). This premature translational stop signal has been observed in individual(s) with CEP290-related conditions (PMID: 36990420). ClinVar contains an entry for this variant (Variation ID: 2947535). For these reasons, this variant has been classified as Pathogenic.

Baylor Genetics
Classification: Likely pathogenic for Bardet-Biedl syndrome 14. Last evaluated: 2023-11-20. Review status: criteria provided, single submitter. Criteria: ACMG Guidelines, 2015. Collection method: clinical testing. Allele origin: unknown.

Literature cited by the submitters: PubMed 16909394 (cited by Labcorp Genetics (formerly Invitae), Labcorp); PubMed 17345604 (cited by Labcorp Genetics (formerly Invitae), Labcorp); PubMed 20690115 (cited by Labcorp Genetics (formerly Invitae), Labcorp); PubMed 36990420 (cited by Labcorp Genetics (formerly Invitae), Labcorp).

NM_025114.4(CEP290):c.5750del (p.Lys1917fs)

Gene: CEP290 (centrosomal protein 290; minus strand). Cytogenetic location: 12q21.32.
Variant type: Deletion.
Coding change: c.5750del on transcript NM_025114.4 (MANE Select); coding-DNA position 5750, one base deleted (A; older notation c.5750delA).
Protein change: p.Lys1917fs; shifts the reading frame from lysine 1917.
Molecular consequence: frameshift variant.
Genome position (GRCh38, 1-based): chr12:88,071,886, T deleted on the plus strand (A on the coding strand, the reverse complement: CEP290 is on the minus strand); the first of 5 consecutive T bases (chr12:88,071,886-88,071,890); deleting any one gives the same sequence. VCF-style (leftmost placement, unchanged base first): chr12-88071885-CT-C. GRCh37 (hg19) VCF-style: chr12-88465662-CT-C.
Other names: short protein forms K1917fs.
Identifiers: ClinVar variation 2947535 (VCV002947535.4), dbSNP rs2499744612, ClinGen allele CA606675688.